The following is an entry in ClinVar:

ClinVar aggregate classification (germline): Uncertain significance (1 of 4 stars; one submission).

Conditions:
Hereditary pheochromocytoma and paraganglioma. Also called: Hereditary paragangliomas and pheochromocytomas; Hereditary Paraganglioma-Pheochromocytoma Syndromes; Hereditary pheochromocytoma-paraganglioma. Identifiers: Orphanet 29072, MedGen C4274332, MONDO:0017366.

Submission:

Labcorp Genetics (formerly Invitae), Labcorp
Classification: Uncertain significance for Hereditary pheochromocytoma and paraganglioma. Last evaluated: 2022-01-26. Review status: criteria provided, single submitter. Criteria: Invitae Variant Classification Sherloc (09022015). Collection method: clinical testing. Allele origin: germline.
Comment: This sequence change creates a premature translational stop signal (p.Lys104*) in the MAX gene. While this is not anticipated to result in nonsense mediated decay, it is expected to disrupt the last 57 amino acid(s) of the MAX protein. This variant is not present in population databases (gnomAD no frequency). This variant has not been reported in the literature in individuals affected with MAX-related conditions. Algorithms developed to predict the effect of sequence changes on RNA splicing suggest that this variant may create or strengthen a splice site. In summary, the available evidence is currently insufficient to determine the role of this variant in disease. Therefore, it has been classified as a Variant of Uncertain Significance.

NM_002382.5(MAX):c.310A>T (p.Lys104Ter)

Gene: MAX (MYC associated transcriptional regulator X; minus strand). Cytogenetic location: 14q23.3.
Variant type: single nucleotide variant.
Coding change: c.310A>T on transcript NM_002382.5 (MANE Select); coding-DNA position 310, A replaced by T.
Protein change: p.Lys104Ter; replaces lysine 104 with a stop codon.
Molecular consequence: nonsense. On other transcripts: 3 prime UTR variant (1), intron variant (2).
Genome position (GRCh38, 1-based): chr14:65,076,649, T>A on the plus strand (A>T on the coding strand, the complement: MAX is on the minus strand). VCF-style: chr14-65076649-T-A. GRCh37 (hg19) VCF-style: chr14-65543367-T-A.
Other names: c.121A>T, p.Lys41Ter (NM_001320415.2, NM_001407105.1, NM_001407106.1 and 1 more transcripts); c.310A>T, p.Lys104Ter (NM_001407094.1); c.283A>T, p.Lys95Ter (NM_001407095.1, NM_145112.3); c.*83A>T (NM_001407096.1, NM_001407099.1, NM_001407102.1 and 2 more transcripts); c.*99A>T (NM_001407097.1, NM_001407100.1, NM_001407101.1 and 4 more transcripts); c.202A>T, p.Lys68Ter (NM_001407098.1); c.109A>T, p.Lys37Ter (NM_001407111.1, NM_001407112.1); c.144+17059A>T (NM_001271069.2); and 1 more; short protein forms K68*, K104*, K95*, K37*, K41*.
Identifiers: ClinVar variation 2089413 (VCV002089413.4), dbSNP rs2504176135, ClinGen allele CA390031980.